The following is an entry in ClinVar:

NM_000179.3(MSH6):c.1328G>T (p.Gly443Val)

Gene: MSH6 (mutS homolog 6; plus strand). Cytogenetic location: 2p16.3.
Variant type: single nucleotide variant.
Coding change: c.1328G>T on transcript NM_000179.3 (MANE Select); coding-DNA position 1328, G replaced by T.
Protein change: p.Gly443Val; replaces glycine 443 with valine.
Molecular consequence: missense variant.
Genome position (GRCh38, 1-based): chr2:47,799,311, G>T. VCF-style: chr2-47799311-G-T. GRCh37 (hg19) VCF-style: chr2-48026450-G-T.
Other names: c.938G>T, p.Gly313Val (NM_001281492.2); c.422G>T, p.Gly141Val (NM_001281493.2, NM_001281494.2); short protein forms G443V, G313V, G141V.
Identifiers: ClinVar variation 485877 (VCV000485877.5), dbSNP rs1553412757, ClinGen allele CA346744502.

ClinVar aggregate classification (germline): Uncertain significance (1 of 4 stars; one submission).

Conditions:
Hereditary cancer-predisposing syndrome. Also called: Tumor predisposition; Hereditary Cancer Syndrome; Hereditary neoplastic syndrome; Neoplastic Syndromes, Hereditary. Identifiers: Orphanet 140162, MedGen C0027672, MeSH D009386, MONDO:0015356.

Submission:

Ambry Genetics
Classification: Uncertain significance for Hereditary cancer-predisposing syndrome. Last evaluated: 2016-12-21. Review status: criteria provided, single submitter. Criteria: Ambry Variant Classification Scheme 2023. Collection method: clinical testing. Allele origin: germline.
Comment: The p.G443V variant (also known as c.1328G>T), located in coding exon 4 of the MSH6 gene, results from a G to T substitution at nucleotide position 1328. The glycine at codon 443 is replaced by valine, an amino acid with dissimilar properties. This amino acid position is highly conserved in available vertebrate species. In addition, this alteration is predicted to be deleterious by in silico analysis. In addition, the CoDP in silico tool predicts this alteration will likely impair molecular function, with a score of 0.982 (Terui H et al. J. Biomed. Sci. 2013;20:25). Since supporting evidence is limited at this time, the clinical significance of this alteration remains unclear.